The following is an entry in ClinVar:

NM_003742.4(ABCB11):c.2036C>T (p.Ala679Val)

Gene: ABCB11 (ATP binding cassette subfamily B member 11; minus strand). Cytogenetic location: 2q31.1.
Variant type: single nucleotide variant.
Coding change: c.2036C>T on transcript NM_003742.4 (MANE Select); coding-DNA position 2036, C replaced by T.
Protein change: p.Ala679Val; replaces alanine 679 with valine.
Molecular consequence: missense variant.
Genome position (GRCh38, 1-based): chr2:168,968,466, G>A on the plus strand (C>T on the coding strand, the complement: ABCB11 is on the minus strand). VCF-style: chr2-168968466-G-A. GRCh37 (hg19) VCF-style: chr2-169824976-G-A.
Other names: c.2036C>T, p.Ala679Val (LRG_1199t1); short protein forms A679V.
Identifiers: ClinVar variation 497606 (VCV000497606.25), dbSNP rs200912109, ClinGen allele CA1951389.

ClinVar aggregate classification (germline): Conflicting classifications of pathogenicity. Review status: criteria provided, conflicting classifications (1 of 4 stars). 7 submissions from 7 submitters: Uncertain significance (3); Benign (1); Likely benign (1). 2 of the submissions do not count toward it. Last evaluated 2026-04-14.

Conditions:
Progressive familial intrahepatic cholestasis type 2. Identifiers: Orphanet 79304, MedGen C3489789, MONDO:0011156, OMIM 601847.
ABCB11-related disorder. Also called: ABCB11-related condition.
Familial intrahepatic cholestasis. Identifiers: Orphanet 284385, MedGen CN296401, MONDO:0017290.

Allele frequency attached by ClinVar (database versions not stated): TOPMed 0.00008; gnomAD 0.00012 and 0.00019; gnomAD exomes 0.00044; ExAC 0.00048; 1000 Genomes Project 0.00060; 1000 Genomes Project 30x 0.00062; ESP Exome Variant Server 0.00008.
gnomAD v4.1: 404 of 1,610,978 alleles (0.025%); highest among the groups gnomAD compares: Middle Eastern, 0.31%; 1 homozygote.

Submissions (7):

Genomenon, Inc
Classification: Likely benign for Familial intrahepatic cholestasis. Last evaluated: 2026-04-14. Review status: criteria provided, single submitter. Criteria: Genomenon Sequence Variant Interpretation Standards - Updated. Collection method: curation. Allele origin: germline. Affected: no.
Comment: ABCB11 p.Ala679Val (c.2036C>T) is a missense variant that changes the amino acid at residue 679 from Alanine to Valine. This variant has been reported in the published literature (PMID:37208429;35894240). In silico models predict that this variant is possibly or probably damaging. This variant's allele frequency in gnomAD is greater than expected for this disorder. In conclusion, we classify ABCB11 p.Ala679Val (c.2036C>T) as a likely benign variant.

Labcorp Genetics (formerly Invitae), Labcorp
Classification: Benign. Last evaluated: 2026-01-06. Review status: criteria provided, single submitter. Criteria: Invitae Variant Classification Sherloc (09022015). Collection method: clinical testing. Allele origin: germline.

Blueprint Genetics
Classification: Uncertain significance. Last evaluated: 2024-10-23. Review status: criteria provided, single submitter. Criteria: ACMG Guidelines, 2015. Collection method: clinical testing. Allele origin: germline.

Eurofins Ntd Llc (ga)
Classification: Uncertain significance. Last evaluated: 2018-05-24. Review status: criteria provided, single submitter. Criteria: EGL ClinVar v180209 classification definitions. Collection method: clinical testing. Allele origin: germline. Observed: 4 variant alleles, 4 heterozygotes.

Illumina Laboratory Services, Illumina
Classification: Uncertain significance for Progressive familial intrahepatic cholestasis type 2. Last evaluated: 2018-01-13. Review status: criteria provided, single submitter. Criteria: ICSL Variant Classification Criteria 13 December 2019. Collection method: clinical testing. Allele origin: germline.

PreventionGenetics, part of Exact Sciences
Classification: Likely benign for ABCB11-related condition. Last evaluated: 2022-03-16. Review status: no assertion criteria provided. Collection method: clinical testing. Allele origin: germline. Not counted in ClinVar's aggregate classification.
Comment: This variant is classified as likely benign based on ACMG/AMP sequence variant interpretation guidelines (Richards et al. 2015 PMID: 25741868, with internal and published modifications).

Natera, Inc.
Classification: Likely benign for Progressive familial intrahepatic cholestasis type 2. Last evaluated: 2019-12-29. Review status: no assertion criteria provided. Collection method: clinical testing. Allele origin: germline. Not counted in ClinVar's aggregate classification.

Literature cited by the submitters: PubMed 37208429 (cited by Genomenon, Inc); PubMed 35894240 (cited by Genomenon, Inc).